The following is an entry in ClinVar:

ClinVar aggregate classification (germline): Pathogenic. Review status: criteria provided, multiple submitters, no conflicts (2 of 4 stars). 4 submissions from 4 submitters: Pathogenic (2). 2 of the submissions do not count toward it. Last evaluated 2023-09-20.

Conditions:
Gastrointestinal stromal tumor. Also called: Gastrointestinal stroma tumor; Gastrointestinal stromal tumor, somatic. Identifiers: Orphanet 44890, MedGen C0238198, MeSH D046152, MONDO:0011719, OMIM 606764, HP:0100723.
Pheochromocytoma/paraganglioma syndrome 4. Also called: SDHB-Related Hereditary Paraganglioma-Pheochromocytoma Syndrome (Paragangliomas 4); Paragangliomas 4; SDHB-Related Hereditary Paraganglioma-Pheochromocytoma Syndrome; CAROTID BODY TUMORS AND MULTIPLE EXTRAADRENAL PHEOCHROMOCYTOMAS; PARAGANGLIOMA, FAMILIAL MALIGNANT; PARAGANGLIOMAS, HEREDITARY EXTRAADRENAL. Identifiers: Orphanet 29072, MedGen C1861848, MONDO:0007273, OMIM 115310.
Pheochromocytoma. Also called: MAX-Related Hereditary Paraganglioma-Pheochromocytoma Syndrome. Identifiers: Orphanet 29072, MedGen C0031511, MONDO:0008233, OMIM 171300, HP:0002666.

Allele frequency attached by ClinVar (database versions not stated): gnomAD exomes below 0.00001.
gnomAD v4.1: 1 of 1,614,104 alleles (0.000062%); highest among the groups gnomAD compares: Non-Finnish European, 0.000085%; no homozygotes.

Submissions (5):

Myriad Genetics, Inc.
Classification: Pathogenic for Pheochromocytoma/paraganglioma syndrome 4. Last evaluated: 2023-09-20. Review status: criteria provided, single submitter. Criteria: Myriad Autosomal Dominant, Autosomal Recessive and X-Linked Classification Criteria (2023). Collection method: clinical testing. Allele origin: unknown.
Comment: This variant is considered pathogenic. This variant occurs within a consensus splice junction and is predicted to result in abnormal mRNA splicing of either an out-of-frame exon or an in-frame exon necessary for protein stability and/or normal function. This variant has been reported in multiple individuals with clinical features of gene-specific disease [PMID: 19576851, 28490599, 22517557, 28503760, 32460727, 33362715].

Labcorp Genetics (formerly Invitae), Labcorp
Classification: Pathogenic for Gastrointestinal stromal tumor; Pheochromocytoma/paraganglioma syndrome 4; Pheochromocytoma. Last evaluated: 2021-05-17. Review status: criteria provided, single submitter. Criteria: Invitae Variant Classification Sherloc (09022015). Collection method: clinical testing. Allele origin: germline.
Comment: For these reasons, this variant has been classified as Pathogenic. Algorithms developed to predict the effect of sequence changes on RNA splicing suggest that this variant may disrupt the consensus splice site, but this prediction has not been confirmed by published transcriptional studies. This variant has been observed in individual(s) with paraganglioma-pheochromocytoma syndromes (PMID: 19454582, 28490599). This variant is not present in population databases (ExAC no frequency). This sequence change affects a donor splice site in intron 2 of the SDHB gene. It is expected to disrupt RNA splicing. Variants that disrupt the donor or acceptor splice site typically lead to a loss of protein function (PMID: 16199547), and loss-of-function variants in SDHB are known to be pathogenic (PMID: 19454582, 19802898).

Dr. Peter K. Rogan Lab, Western University
No classification provided (evidence only). Condition: Thyroid cancer, nonmedullary, 1. Review status: no classification provided. Collection method: in vitro. Allele origin: not applicable. Functional consequence: retained intron. Not counted in ClinVar's aggregate classification.

Genome Diagnostics Laboratory, University Medical Center Utrecht
Classification: Pathogenic. Review status: no assertion criteria provided. Collection method: clinical testing. Allele origin: germline. Affected: yes. Study: VKGL Data-share Consensus. Not counted in ClinVar's aggregate classification.

Joint Genome Diagnostic Labs from Nijmegen and Maastricht, Radboudumc and MUMC+
Classification: Pathogenic. Review status: no assertion criteria provided. Collection method: clinical testing. Allele origin: germline. Affected: yes. Study: VKGL Data-share Consensus. Not counted in ClinVar's aggregate classification.

Literature cited by the submitters: PubMed 19576851 (cited by Myriad Genetics, Inc.); PubMed 28490599 (cited by Myriad Genetics, Inc. and Labcorp Genetics (formerly Invitae), Labcorp); PubMed 22517557 (cited by Myriad Genetics, Inc.); PubMed 28503760 (cited by Myriad Genetics, Inc.); PubMed 32460727 (cited by Myriad Genetics, Inc.); PubMed 33362715 (cited by Myriad Genetics, Inc.); PubMed 19454582 (cited by Labcorp Genetics (formerly Invitae), Labcorp); PubMed 16199547 (cited by Labcorp Genetics (formerly Invitae), Labcorp); PubMed 19802898 (cited by Labcorp Genetics (formerly Invitae), Labcorp).

NM_003000.3(SDHB):c.200+1G>A

Gene: SDHB (succinate dehydrogenase complex iron sulfur subunit B; minus strand). Cytogenetic location: 1p36.13.
Variant type: single nucleotide variant.
Coding change: c.200+1G>A on transcript NM_003000.3 (MANE Select); the canonical splice donor site of the intron after coding-DNA position 200, G replaced by A.
Molecular consequence: splice donor variant.
Genome position (GRCh38, 1-based): chr1:17,044,760, C>T on the plus strand (G>A on the coding strand, the complement: SDHB is on the minus strand). VCF-style: chr1-17044760-C-T. GRCh37 (hg19) VCF-style: chr1-17371255-C-T.
Other names: c.200+1G>A (NM_001407361.1).
Identifiers: ClinVar variation 1285202 (VCV001285202.13), dbSNP rs2101541309, ClinGen allele CA338227638.